The following is an entry in ClinVar:

ClinVar aggregate classification (germline): Uncertain significance (1 of 4 stars; one submission).

Conditions:
Myofibrillar myopathy 5. Also called: FILAMINOPATHY, AUTOSOMAL DOMINANT; Filaminopathy (type). Identifiers: Orphanet 171445, MedGen C1836050, MONDO:0012289, OMIM 609524.
Hypertrophic cardiomyopathy 26. Also called: Cardiomyopathy, familial hypertrophic, 26. Identifiers: Orphanet 75249, MedGen C4310749, MONDO:0014883, OMIM 617047.
Distal myopathy with posterior leg and anterior hand involvement. Also called: WILLIAMS DISTAL MYOPATHY. Identifiers: Orphanet 63273, MedGen C3279722, MONDO:0013550, OMIM 614065.

Allele frequency attached by ClinVar (database versions not stated): gnomAD exomes below 0.00001 and 0.00001; ExAC 0.00001; gnomAD 0.00001; TOPMed 0.00001.
gnomAD v4.1: 3 of 1,612,942 alleles (0.00019%); highest among the groups gnomAD compares: Admixed American, 0.0033%; no homozygotes.

Submission:

Labcorp Genetics (formerly Invitae), Labcorp
Classification: Uncertain significance for Distal myopathy with posterior leg and anterior hand involvement; Myofibrillar myopathy 5; Hypertrophic cardiomyopathy 26. Last evaluated: 2024-04-10. Review status: criteria provided, single submitter. Criteria: Invitae Variant Classification Sherloc (09022015). Collection method: clinical testing. Allele origin: germline.
Comment: This sequence change replaces aspartic acid, which is acidic and polar, with asparagine, which is neutral and polar, at codon 1495 of the FLNC protein (p.Asp1495Asn). This variant is present in population databases (rs748265400, gnomAD 0.003%). This variant has not been reported in the literature in individuals affected with FLNC-related conditions. ClinVar contains an entry for this variant (Variation ID: 1011402). Advanced modeling of protein sequence and biophysical properties (such as structural, functional, and spatial information, amino acid conservation, physicochemical variation, residue mobility, and thermodynamic stability) has been performed at Invitae for this missense variant, however the output from this modeling did not meet the statistical confidence thresholds required to predict the impact of this variant on FLNC protein function. In summary, the available evidence is currently insufficient to determine the role of this variant in disease. Therefore, it has been classified as a Variant of Uncertain Significance.

NM_001458.5(FLNC):c.4483G>A (p.Asp1495Asn)

Gene: FLNC (filamin C; plus strand). Cytogenetic location: 7q32.1.
Variant type: single nucleotide variant.
Coding change: c.4483G>A on transcript NM_001458.5 (MANE Select); coding-DNA position 4483, G replaced by A.
Protein change: p.Asp1495Asn; replaces aspartic acid 1495 with asparagine.
Molecular consequence: missense variant.
Genome position (GRCh38, 1-based): chr7:128,847,971, G>A. VCF-style: chr7-128847971-G-A. GRCh37 (hg19) VCF-style: chr7-128488025-G-A.
Other names: c.4483G>A, p.Asp1495Asn (NM_001127487.2); short protein forms D1495N.
Identifiers: ClinVar variation 1011402 (VCV001011402.9), dbSNP rs748265400, ClinGen allele CA4475356.